The following is an entry in ClinVar:

NM_152564.5(VPS13B):c.5921C>T (p.Thr1974Ile)

Gene: VPS13B (vacuolar protein sorting 13 homolog B; plus strand). Cytogenetic location: 8q22.2.
Variant type: single nucleotide variant.
Coding change: c.5921C>T on transcript NM_152564.5 (MANE Select); coding-DNA position 5921, C replaced by T.
Protein change: p.Thr1974Ile; replaces threonine 1974 with isoleucine.
Molecular consequence: missense variant.
Genome position (GRCh38, 1-based): chr8:99,661,366, C>T. VCF-style: chr8-99661366-C-T. GRCh37 (hg19) VCF-style: chr8-100673594-C-T.
Other names: c.5996C>T (NM_017890.3); c.5996C>T, p.Thr1999Ile (NM_017890.5); short protein forms T1974I, T1999I.
Identifiers: ClinVar variation 2144484 (VCV002144484.3), dbSNP rs201494346, ClinGen allele CA4823902.

ClinVar aggregate classification (germline): Uncertain significance. Review status: criteria provided, multiple submitters, no conflicts (2 of 4 stars). 3 submissions from 3 submitters: Uncertain significance (3). Last evaluated 2025-04-10.

Conditions:
VPS13B-related disorder. Also called: VPS13B-related condition.
Cohen syndrome (COH1). Also called: PEPPER SYNDROME; Cutis verticis gyrata, retinitis pigmentosa, and sensorineural deafness. Identifiers: Orphanet 193, MedGen C0265223, MONDO:0008999, OMIM 216550.
Inborn genetic diseases. Identifiers: MedGen C0950123, MeSH D030342.

Allele frequency attached by ClinVar (database versions not stated): ExAC 0.00001; TOPMed 0.00001; gnomAD exomes 0.00002.
gnomAD v4.1: 9 of 1,613,628 alleles (0.00056%); highest among the groups gnomAD compares: Admixed American, 0.0067%; no homozygotes.

Submissions (3):

Ambry Genetics
Classification: Uncertain significance for Inborn genetic diseases. Last evaluated: 2025-04-10. Review status: criteria provided, single submitter. Criteria: Ambry Variant Classification Scheme 2023. Collection method: clinical testing. Allele origin: germline.

PreventionGenetics, part of Exact Sciences
Classification: Uncertain significance for VPS13B-related condition. Last evaluated: 2024-11-10. Review status: criteria provided, single submitter. Criteria: ACMG Guidelines, 2015. Collection method: clinical testing. Allele origin: germline.
Comment: The VPS13B c.5921C>T variant is predicted to result in the amino acid substitution p.Thr1974Ile. To our knowledge, this variant has not been reported in the literature. This variant is reported in 0.0087% of alleles in individuals of Latino descent in gnomAD. At this time, the clinical significance of this variant is uncertain due to the absence of conclusive functional and genetic evidence.

Labcorp Genetics (formerly Invitae), Labcorp
Classification: Uncertain significance for Cohen syndrome. Last evaluated: 2022-01-08. Review status: criteria provided, single submitter. Criteria: Invitae Variant Classification Sherloc (09022015). Collection method: clinical testing. Allele origin: germline.
Comment: This sequence change replaces threonine, which is neutral and polar, with isoleucine, which is neutral and non-polar, at codon 1999 of the VPS13B protein (p.Thr1999Ile). This variant is present in population databases (rs201494346, gnomAD 0.009%). This variant has not been reported in the literature in individuals affected with VPS13B-related conditions. Algorithms developed to predict the effect of missense changes on protein structure and function are either unavailable or do not agree on the potential impact of this missense change (SIFT: "Not Available"; PolyPhen-2: "Benign"; Align-GVGD: "Not Available"). In summary, the available evidence is currently insufficient to determine the role of this variant in disease. Therefore, it has been classified as a Variant of Uncertain Significance.